The following is an entry in ClinVar:

ClinVar aggregate classification (germline): Uncertain significance (1 of 4 stars; one submission).

Conditions:
Immunodeficiency, common variable, 10. Also called: DEFICIT IN ANTERIOR PITUITARY FUNCTION AND VARIABLE IMMUNODEFICIENCY; IMMUNODEFICIENCY, COMMON VARIABLE, WITH CENTRAL ADRENAL INSUFFICIENCY. Identifiers: MedGen C3809991, MONDO:0014260, OMIM 615577.

Allele frequency attached by ClinVar (database versions not stated): gnomAD 0.00001; TOPMed 0.00001; ExAC 0.00001.
gnomAD v4.1: 3 of 1,613,722 alleles (0.00019%); highest among the groups gnomAD compares: Admixed American, 0.0033%; no homozygotes.

Submission:

Labcorp Genetics (formerly Invitae), Labcorp
Classification: Uncertain significance for Immunodeficiency, common variable, 10. Last evaluated: 2025-04-26. Review status: criteria provided, single submitter. Criteria: Invitae Variant Classification Sherloc (09022015). Collection method: clinical testing. Allele origin: germline.
Comment: This sequence change replaces serine, which is neutral and polar, with arginine, which is basic and polar, at codon 622 of the NFKB2 protein (p.Ser622Arg). This variant is present in population databases (rs765336822, gnomAD 0.003%). This variant has not been reported in the literature in individuals affected with NFKB2-related conditions. ClinVar contains an entry for this variant (Variation ID: 1970861). An algorithm developed to predict the effect of missense changes on protein structure and function outputs the following: PolyPhen-2: "Benign". The arginine amino acid residue is found in multiple mammalian species, which suggests that this missense change does not adversely affect protein function. In summary, the available evidence is currently insufficient to determine the role of this variant in disease. Therefore, it has been classified as a Variant of Uncertain Significance.

NM_001322934.2(NFKB2):c.1866T>A (p.Ser622Arg)

Gene: NFKB2 (nuclear factor kappa B subunit 2; plus strand). Cytogenetic location: 10q24.32.
Variant type: single nucleotide variant.
Coding change: c.1866T>A on transcript NM_001322934.2 (MANE Select); coding-DNA position 1866, T replaced by A.
Protein change: p.Ser622Arg; replaces serine 622 with arginine.
Molecular consequence: missense variant.
Genome position (GRCh38, 1-based): chr10:102,400,722, T>A. VCF-style: chr10-102400722-T-A. GRCh37 (hg19) VCF-style: chr10-104160479-T-A.
Other names: c.1866T>A, p.Ser622Arg (NM_001077493.1, NM_001077494.3, NM_001261403.3 and 2 more transcripts); c.1740T>A, p.Ser580Arg (NM_001322935.1); short protein forms S580R, S622R.
Identifiers: ClinVar variation 1970861 (VCV001970861.5), dbSNP rs765336822, ClinGen allele CA5664910.
Genomic context (GRCh38, chr10:102,400,722, plus strand): 5'-TCCAGTACACCTGGCAGTCCGAGCCCGAAGCCCTGAGTGCCTGGATCTGCTGGTGGACAG[T>A]GGGGCTGAAGTGGAGGCCACAGAGCGGCAGGGGGGACGAACAGCCTTGCATCTAGCCACA-3'
Protein context (NP_001309863.1, residues 612-632): SPECLDLLVD[Ser622Arg]GAEVEATERQ